The following is an entry in ClinVar:

NM_000051.4(ATM):c.6368G>T (p.Ser2123Ile)

Genes: ATM (ATM serine/threonine kinase; plus strand), C11orf65 (chromosome 11 open reading frame 65; minus strand). Cytogenetic location: 11q22.3.
Variant type: single nucleotide variant.
Coding change: c.6368G>T on transcript NM_000051.4 (MANE Select); coding-DNA position 6368, G replaced by T.
Protein change: p.Ser2123Ile; replaces serine 2123 with isoleucine.
Molecular consequence: missense variant. On other transcripts: intron variant (2).
Genome position (GRCh38, 1-based): chr11:108,319,974, G>T. VCF-style: chr11-108319974-G-T. GRCh37 (hg19) VCF-style: chr11-108190701-G-T.
Other names: c.6368G>T, p.Ser2123Ile (NM_001351834.2); c.641-10903C>A (NM_001330368.2); c.*39-10903C>A (NM_001351110.2); short protein forms S2123I.
Identifiers: ClinVar variation 419784 (VCV000419784.5), dbSNP rs1064794104, ClinGen allele CA16619212.

ClinVar aggregate classification (germline): Uncertain significance. Review status: criteria provided, multiple submitters, no conflicts (2 of 4 stars). 2 submissions from 2 submitters: Uncertain significance (2). Last evaluated 2024-01-31.

Conditions:
Hereditary cancer-predisposing syndrome. Also called: Neoplastic Syndromes, Hereditary; Hereditary Cancer Syndrome; Tumor predisposition; Hereditary neoplastic syndrome. Identifiers: Orphanet 140162, MedGen C0027672, MeSH D009386, MONDO:0015356.

Submissions (2):

Ambry Genetics
Classification: Uncertain significance for Hereditary cancer-predisposing syndrome. Last evaluated: 2024-01-31. Review status: criteria provided, single submitter. Criteria: Ambry Variant Classification Scheme 2023. Collection method: clinical testing. Allele origin: germline.
Comment: The p.S2123I variant (also known as c.6368G>T), located in coding exon 43 of the ATM gene, results from a G to T substitution at nucleotide position 6368. The serine at codon 2123 is replaced by isoleucine, an amino acid with dissimilar properties. This amino acid position is conserved. In addition, this alteration is predicted to be tolerated by in silico analysis. Based on the available evidence, the clinical significance of this alteration remains unclear.

GeneDx
Classification: Uncertain significance. Last evaluated: 2015-09-04. Review status: criteria provided, single submitter. Criteria: GeneDx Variant Classification (06012015). Collection method: clinical testing. Allele origin: germline. Affected: yes.
Comment: This variant is denoted ATM c.6368G>T at the cDNA level, p.Ser2123Ile (S2123I) at the protein level, and results in the change of a Serine to an Isoleucine (AGT>ATT). This variant has not, to our knowledge, been published in the literature as pathogenic or benign. ATM Ser2123Ile was not observed in approximately 6,500 individuals of European and African American ancestry in the NHLBI Exome Sequencing Project, indicating it is not a common benign variant in these populations. Since Serine and Isoleucine differ in polarity, charge, size or other properties, this is considered a non-conservative amino acid substitution. ATM Ser2123Ile occurs at a position that is not conserved and is located in the FAT domain (Stracker 2013, UniProt). In silico analyses predict that this variant is probably damaging to protein structure and function. Based on currently available information, it is unclear whether ATM Ser2123Ile is pathogenic or benign. We consider it to be a variant of uncertain significance.